The following is an entry in ClinVar:

NM_002397.5(MEF2C):c.800T>C (p.Met267Thr)

Gene: MEF2C (myocyte enhancer factor 2C; minus strand). Cytogenetic location: 5q14.3.
Variant type: single nucleotide variant.
Coding change: c.800T>C on transcript NM_002397.5 (MANE Select); coding-DNA position 800, T replaced by C.
Protein change: p.Met267Thr; replaces methionine 267 with threonine.
Molecular consequence: missense variant.
Genome position (GRCh38, 1-based): chr5:88,731,739, A>G on the plus strand (T>C on the coding strand, the complement: MEF2C is on the minus strand). VCF-style: chr5-88731739-A-G. GRCh37 (hg19) VCF-style: chr5-88027556-A-G.
Other names: c.794T>C, p.Met265Thr (NM_001131005.2, NM_001364343.2, NM_001364352.2); c.854T>C, p.Met285Thr (NM_001193347.1, NM_001364338.2); c.656T>C, p.Met219Thr (NM_001193348.1, NM_001193349.3, NM_001364332.2 and 3 more transcripts); c.800T>C, p.Met267Thr (NM_001193350.2, NM_001308002.3, NM_001363581.2 and 18 more transcripts); c.422T>C, p.Met141Thr (NM_001364353.2, NM_001364356.2); c.374T>C, p.Met125Thr (NM_001364357.2); short protein forms M265T, M267T, M125T, M141T, M219T, M285T.
Identifiers: ClinVar variation 589526 (VCV000589526.5), dbSNP rs1561697163, ClinGen allele CA360423169.

ClinVar aggregate classification (germline): Uncertain significance (1 of 4 stars; one submission).

Conditions:
Inborn genetic diseases. Identifiers: MedGen C0950123, MeSH D030342.

Submission:

Ambry Genetics
Classification: Uncertain significance for Inborn genetic diseases. Last evaluated: 2017-02-02. Review status: criteria provided, single submitter. Criteria: Ambry Variant Classification Scheme 2023. Collection method: clinical testing. Allele origin: germline.
Comment: The p.M267T variant (also known as c.800T>C), located in coding exon 6 of the MEF2C gene, results from a T to C substitution at nucleotide position 800. The methionine at codon 267 is replaced by threonine, an amino acid with similar properties. This amino acid position is highly conserved in available vertebrate species. This variant did not co-segregate with disease in one family tested in our laboratory. In addition, this alteration is predicted to be deleterious by in silico analysis. Since supporting evidence is limited at this time, the clinical significance of this alteration remains unclear.